The following is an entry in ClinVar:

ClinVar aggregate classification (germline): Uncertain significance. Review status: criteria provided, multiple submitters, no conflicts (2 of 4 stars). 3 submissions from 3 submitters: Uncertain significance (3). Last evaluated 2025-08-22.

Conditions:
Colorectal cancer, susceptibility to, 1. Also called: COLORECTAL ADENOMA AND CANCER, SUSCEPTIBILITY TO; COLORECTAL CANCER, SUSCEPTIBILITY TO, ON CHROMOSOME 9. Identifiers: MedGen C1837315, MONDO:0012132, OMIM 608812.

Allele frequency attached by ClinVar (database versions not stated): TOPMed below 0.00001; gnomAD 0.00001.
gnomAD v4.1: 11 of 1,614,100 alleles (0.00068%); highest among the groups gnomAD compares: Non-Finnish European, 0.00059%; no homozygotes.

Submissions (3):

Ambry Genetics
Classification: Uncertain significance. Last evaluated: 2025-08-22. Review status: criteria provided, single submitter. Criteria: Ambry Variant Classification Scheme 2023. Collection method: clinical testing. Allele origin: germline.

Labcorp Genetics (formerly Invitae), Labcorp
Classification: Uncertain significance. Last evaluated: 2025-01-13. Review status: criteria provided, single submitter. Criteria: Invitae Variant Classification Sherloc (09022015). Collection method: clinical testing. Allele origin: germline.
Comment: This sequence change replaces leucine, which is neutral and non-polar, with arginine, which is basic and polar, at codon 562 of the GALNT12 protein (p.Leu562Arg). This variant is present in population databases (rs764337232, gnomAD 0.01%). This variant has not been reported in the literature in individuals affected with GALNT12-related conditions. ClinVar contains an entry for this variant (Variation ID: 819835). An algorithm developed to predict the effect of missense changes on protein structure and function outputs the following: PolyPhen-2: "Benign". The arginine amino acid residue is found in multiple mammalian species, which suggests that this missense change does not adversely affect protein function. In summary, the available evidence is currently insufficient to determine the role of this variant in disease. Therefore, it has been classified as a Variant of Uncertain Significance.

Baylor Genetics
Classification: Uncertain significance for Colorectal cancer, susceptibility to, 1. Last evaluated: 2023-11-09. Review status: criteria provided, single submitter. Criteria: ACMG Guidelines, 2015. Collection method: clinical testing. Allele origin: unknown.

NM_024642.5(GALNT12):c.1685T>G (p.Leu562Arg)

Gene: GALNT12 (polypeptide N-acetylgalactosaminyltransferase 12; plus strand). Cytogenetic location: 9q22.33.
Variant type: single nucleotide variant.
Coding change: c.1685T>G on transcript NM_024642.5 (MANE Select); coding-DNA position 1685, T replaced by G.
Protein change: p.Leu562Arg; replaces leucine 562 with arginine.
Molecular consequence: missense variant.
Genome position (GRCh38, 1-based): chr9:98,849,031, T>G. VCF-style: chr9-98849031-T-G. GRCh37 (hg19) VCF-style: chr9-101611313-T-G.
Other names: short protein forms L562R.
Identifiers: ClinVar variation 819835 (VCV000819835.13), dbSNP rs764337232, ClinGen allele CA5154346.